The following is an entry in ClinVar:

ClinVar aggregate classification (germline): Uncertain significance (1 of 4 stars; one submission).

Conditions:
Inborn genetic diseases. Identifiers: MedGen C0950123, MeSH D030342.

gnomAD v4.1: 1 of 1,608,774 alleles (0.000062%); highest among the groups gnomAD compares: African/African-American, 0.0013%; no homozygotes.

Submission:

Ambry Genetics
Classification: Uncertain significance for Inborn genetic diseases. Last evaluated: 2025-12-18. Review status: criteria provided, single submitter. Criteria: Ambry Variant Classification Scheme 2023. Collection method: clinical testing. Allele origin: germline.
Comment: The p.L42F variant (also known as c.126G>C), located in coding exon 2 of the FANCG gene, results from a G to C substitution at nucleotide position 126. The leucine at codon 42 is replaced by phenylalanine, an amino acid with highly similar properties. This amino acid position is conserved. In addition, this alteration is predicted to be tolerated by in silico analysis. Based on the available evidence, the clinical significance of this variant remains unclear.

NM_004629.2(FANCG):c.126G>C (p.Leu42Phe)

Gene: FANCG (FA complementation group G; minus strand). Cytogenetic location: 9p13.3.
Variant type: single nucleotide variant.
Coding change: c.126G>C on transcript NM_004629.2 (MANE Select); coding-DNA position 126, G replaced by C.
Protein change: p.Leu42Phe; replaces leucine 42 with phenylalanine.
Molecular consequence: missense variant.
Genome position (GRCh38, 1-based): chr9:35,079,200, C>G on the plus strand (G>C on the coding strand, the complement: FANCG is on the minus strand). VCF-style: chr9-35079200-C-G. GRCh37 (hg19) VCF-style: chr9-35079197-C-G.
Other names: short protein forms L42F.
Identifiers: ClinVar variation 4841401 (VCV004841401.1).
Genomic context (GRCh38, chr9:35,079,200, plus strand): 5'-GACCCGCCTACCTTGCAGACTATGGAGGAGCCCTCTGAGCCCTTCCAGTGCATCCTGAGC[C>G]AACTGCTGTCGCCTCAGAGTCAGACCGGAGTTCTGAGCCACCTGCCACATGAGGGAGGGG-3'
Protein context (NP_004620.1, residues 32-52): NSGLTLRRQQ[Leu42Phe]AQDALEGLRG